The following is an entry in ClinVar:

ClinVar aggregate classification (germline): Uncertain significance. Review status: criteria provided, multiple submitters, no conflicts (2 of 4 stars). 6 submissions from 5 submitters: Uncertain significance (5). 1 of the submissions does not count toward it. Last evaluated 2025-02-17.

Conditions:
Retinitis pigmentosa 39 (RP39). Identifiers: Orphanet 791, MedGen C3151138, MONDO:0013436, OMIM 613809.
Usher syndrome type 2A. Also called: RETINAL DISEASE IN USHER SYNDROME TYPE IIA, MODIFIER OF; USHER SYNDROME, TYPE IIA. Identifiers: Orphanet 231178, Orphanet 886, MedGen C1848634, MONDO:0010169, OMIM 276901.

gnomAD v4.1: 1 of 1,614,154 alleles (0.000062%); highest among the groups gnomAD compares: Middle Eastern, 0.016%; no homozygotes.

Submissions (6):

Labcorp Genetics (formerly Invitae), Labcorp
Classification: Uncertain significance. Last evaluated: 2025-02-17. Review status: criteria provided, single submitter. Criteria: Invitae Variant Classification Sherloc (09022015). Collection method: clinical testing. Allele origin: germline.
Comment: This sequence change replaces alanine, which is neutral and non-polar, with glycine, which is neutral and non-polar, at codon 4542 of the USH2A protein (p.Ala4542Gly). This variant is not present in population databases (gnomAD no frequency). This variant has not been reported in the literature in individuals affected with USH2A-related conditions. ClinVar contains an entry for this variant (Variation ID: 1019805). Invitae Evidence Modeling of protein sequence and biophysical properties (such as structural, functional, and spatial information, amino acid conservation, physicochemical variation, residue mobility, and thermodynamic stability) indicates that this missense variant is not expected to disrupt USH2A protein function with a negative predictive value of 95%. In summary, the available evidence is currently insufficient to determine the role of this variant in disease. Therefore, it has been classified as a Variant of Uncertain Significance.

Genome-Nilou Lab
Classification: Uncertain significance for Retinitis pigmentosa 39. Last evaluated: 2023-11-04. Review status: criteria provided, single submitter. Criteria: ACMG Guidelines, 2015. Collection method: clinical testing. Allele origin: germline. Affected: no.

Genome-Nilou Lab
Classification: Uncertain significance for Usher syndrome type 2A. Last evaluated: 2023-11-04. Review status: criteria provided, single submitter. Criteria: ACMG Guidelines, 2015. Collection method: clinical testing. Allele origin: germline. Affected: no.

Fulgent Genetics
Classification: Uncertain significance for Usher syndrome type 2A; Retinitis pigmentosa 39. Last evaluated: 2021-07-12. Review status: criteria provided, single submitter. Criteria: ACMG Guidelines, 2015. Collection method: clinical testing. Allele origin: unknown.

Blueprint Genetics
Classification: Uncertain significance. Last evaluated: 2019-05-22. Review status: criteria provided, single submitter. Criteria: ACMG Guidelines, 2015. Collection method: clinical testing. Allele origin: germline.

Natera, Inc.
Classification: Uncertain significance for Usher syndrome type 2A. Last evaluated: 2020-06-21. Review status: no assertion criteria provided. Collection method: clinical testing. Allele origin: germline. Not counted in ClinVar's aggregate classification.

NM_206933.4(USH2A):c.13625C>G (p.Ala4542Gly)

Gene: USH2A (usherin; minus strand). Cytogenetic location: 1q41.
Variant type: single nucleotide variant.
Coding change: c.13625C>G on transcript NM_206933.4 (MANE Select); coding-DNA position 13625, C replaced by G.
Protein change: p.Ala4542Gly; replaces alanine 4542 with glycine.
Molecular consequence: missense variant.
Genome position (GRCh38, 1-based): chr1:215,674,286, G>C on the plus strand (C>G on the coding strand, the complement: USH2A is on the minus strand). VCF-style: chr1-215674286-G-C. GRCh37 (hg19) VCF-style: chr1-215847628-G-C.
Other names: c.13625C>G (NM_206933.2); short protein forms A4542G.
Identifiers: ClinVar variation 1019805 (VCV001019805.10), dbSNP rs775560370, ClinGen allele CA344844216.
Genomic context (GRCh38, chr1:215,674,286, plus strand): 5'-ATATCACCATTTGTTCTCACTGGAGGGTCCCAGTTCACTAAGATCTCCTGAGGACCCCTG[G>C]CCTGCAATTTTGGAGGTTCCATCCCTGAGGGTGCTGAGGGGCTGGTTCGATCTTTGACAA-3'
Protein context (NP_996816.3, residues 4532-4552): PSGMEPPKLQ[Ala4542Gly]RGPQEILVNW